The following is an entry in ClinVar:

ClinVar aggregate classification (germline): Uncertain significance (1 of 4 stars; one submission).

Conditions:
Chédiak-Higashi syndrome (CHS). Also called: Chediak-Higashi Syndrome. Identifiers: Orphanet 167, MedGen C0007965, MONDO:0008963, OMIM 214500.

Submission:

Labcorp Genetics (formerly Invitae), Labcorp
Classification: Uncertain significance for Chédiak-Higashi syndrome. Last evaluated: 2023-01-31. Review status: criteria provided, single submitter. Criteria: Invitae Variant Classification Sherloc (09022015). Collection method: clinical testing. Allele origin: germline.
Comment: In summary, the available evidence is currently insufficient to determine the role of this variant in disease. Therefore, it has been classified as a Variant of Uncertain Significance. Experimental studies and prediction algorithms are not available or were not evaluated, and the functional significance of this variant is currently unknown. This variant has not been reported in the literature in individuals affected with LYST-related conditions. This variant is not present in population databases (gnomAD no frequency). This variant, c.9731_9733del, results in the deletion of 1 amino acid(s) of the LYST protein (p.Leu3244del), but otherwise preserves the integrity of the reading frame.

NM_000081.4(LYST):c.9731_9733del (p.Leu3244del)

Gene: LYST (lysosomal trafficking regulator; minus strand). Cytogenetic location: 1q42.3.
Variant type: Deletion.
Coding change: c.9731_9733del on transcript NM_000081.4 (MANE Select); coding-DNA positions 9731 to 9733, 3 bases deleted (TTC; older notation c.9731_9733delTTC).
Protein change: p.Leu3244del; deletes leucine 3244.
Molecular consequence: inframe deletion.
Genome position (GRCh38, 1-based): chr1:235,715,252-235,715,254, GAA deleted on the plus strand (TTC on the coding strand, the reverse complement: LYST is on the minus strand); deleting any 3 consecutive bases within chr1:235,715,252-235,715,255 gives the same sequence; the c. name uses the placement nearest the transcript's 3' end. VCF-style (leftmost placement, unchanged base first): chr1-235715251-TGAA-T. GRCh37 (hg19) VCF-style: chr1-235878551-TGAA-T.
Other names: c.9731_9733del, p.Leu3244del (NM_001301365.1); short protein forms L3244del.
Identifiers: ClinVar variation 2833329 (VCV002833329.3), dbSNP rs2527406030, ClinGen allele CA2574160179.
Genomic context (GRCh38, chr1:235,715,251, plus strand): 5'-AAATTCTTACCTTGATAGGCTAAAAACATTTTAGTGAAAGGAGGCATCCTGACCAGGAAG[TGAA>T]GCACAGTGCCGCTATTGGAATAGTGGGAGCCATAGTGATAGGGCTGCACGGGAGGCATGG-3'